The following is an entry in ClinVar:

ClinVar aggregate classification (germline): Uncertain significance. Review status: criteria provided, multiple submitters, no conflicts (2 of 4 stars). 3 submissions from 3 submitters: Uncertain significance (3). Last evaluated 2025-01-19.

Conditions:
Inborn genetic diseases. Identifiers: MedGen C0950123, MeSH D030342.
Combined oxidative phosphorylation defect type 27. Also called: Combined oxidative phosphorylation deficiency 27. Identifiers: Orphanet 477774, MedGen C5567608, MONDO:0014728, OMIM 616672.

Allele frequency attached by ClinVar (database versions not stated): ExAC 0.00001; TOPMed below 0.00001; gnomAD 0.00001; gnomAD exomes 0.00001.
gnomAD v4.1: 17 of 1,522,214 alleles (0.0011%); highest among the groups gnomAD compares: Non-Finnish European, 0.0014%; no homozygotes.

Submissions (3):

Ambry Genetics
Classification: Uncertain significance for Inborn genetic diseases. Last evaluated: 2025-01-19. Review status: criteria provided, single submitter. Criteria: Ambry Variant Classification Scheme 2023. Collection method: clinical testing. Allele origin: germline.

GeneDx
Classification: Uncertain significance. Last evaluated: 2024-07-03. Review status: criteria provided, single submitter. Criteria: GeneDx Variant Classification Process June 2021. Collection method: clinical testing. Allele origin: germline. Affected: yes.
Comment: Not observed at significant frequency in large population cohorts (gnomAD); In silico analysis indicates that this missense variant does not alter protein structure/function; Has not been previously published as pathogenic or benign to our knowledge

Labcorp Genetics (formerly Invitae), Labcorp
Classification: Uncertain significance for Combined oxidative phosphorylation defect type 27. Last evaluated: 2022-07-11. Review status: criteria provided, single submitter. Criteria: Invitae Variant Classification Sherloc (09022015). Collection method: clinical testing. Allele origin: germline.
Comment: This sequence change replaces isoleucine, which is neutral and non-polar, with valine, which is neutral and non-polar, at codon 125 of the CARS2 protein (p.Ile125Val). This variant is present in population databases (rs774544603, gnomAD 0.007%). This variant has not been reported in the literature in individuals affected with CARS2-related conditions. ClinVar contains an entry for this variant (Variation ID: 857042). Algorithms developed to predict the effect of missense changes on protein structure and function (SIFT, PolyPhen-2, Align-GVGD) all suggest that this variant is likely to be disruptive. In summary, the available evidence is currently insufficient to determine the role of this variant in disease. Therefore, it has been classified as a Variant of Uncertain Significance.

NM_024537.4(CARS2):c.373A>G (p.Ile125Val)

Gene: CARS2 (cysteinyl-tRNA synthetase 2, mitochondrial; minus strand). Cytogenetic location: 13q34.
Variant type: single nucleotide variant.
Coding change: c.373A>G on transcript NM_024537.4 (MANE Select); coding-DNA position 373, A replaced by G.
Protein change: p.Ile125Val; replaces isoleucine 125 with valine.
Molecular consequence: missense variant. On other transcripts: 5 prime UTR variant (1), non-coding transcript variant (2).
Genome position (GRCh38, 1-based): chr13:110,701,458, T>C on the plus strand (A>G on the coding strand, the complement: CARS2 is on the minus strand). VCF-style: chr13-110701458-T-C. GRCh37 (hg19) VCF-style: chr13-111353805-T-C.
Other names: c.-627A>G (NM_001352252.2); c.373A>G, p.Ile125Val (NM_001352253.3); c.373A>G (NM_024537.2); short protein forms I125V.
Identifiers: ClinVar variation 857042 (VCV000857042.9), dbSNP rs774544603, ClinGen allele CA7052299.